The following is an entry in ClinVar:

ClinVar aggregate classification (germline): Uncertain significance (1 of 4 stars; one submission).

Allele frequency attached by ClinVar (database versions not stated): TOPMed 0.00005; gnomAD exomes 0.00003; ExAC 0.00005; gnomAD 0.00005.
gnomAD v4.1: 53 of 1,607,806 alleles (0.0033%); highest among the groups gnomAD compares: Non-Finnish European, 0.0012%; no homozygotes.

Submission:

Labcorp Genetics (formerly Invitae), Labcorp
Classification: Uncertain significance. Last evaluated: 2025-09-10. Review status: criteria provided, single submitter. Criteria: Invitae Variant Classification Sherloc (09022015). Collection method: clinical testing. Allele origin: germline.
Comment: This sequence change replaces proline, which is neutral and non-polar, with leucine, which is neutral and non-polar, at codon 104 of the NAF1 protein (p.Pro104Leu). This variant is present in population databases (rs543746206, gnomAD 0.2%), and has an allele count higher than expected for a pathogenic variant. This variant has not been reported in the literature in individuals affected with NAF1-related conditions. ClinVar contains an entry for this variant (Variation ID: 2917652). An algorithm developed to predict the effect of missense changes on protein structure and function outputs the following: PolyPhen-2: "Benign". The leucine amino acid residue is found in multiple mammalian species, which suggests that this missense change does not adversely affect protein function. In summary, the available evidence is currently insufficient to determine the role of this variant in disease. Therefore, it has been classified as a Variant of Uncertain Significance.

NM_138386.3(NAF1):c.311C>T (p.Pro104Leu)

Gene: NAF1 (nuclear assembly factor 1 ribonucleoprotein; minus strand). Cytogenetic location: 4q32.2.
Variant type: single nucleotide variant.
Coding change: c.311C>T on transcript NM_138386.3 (MANE Select); coding-DNA position 311, C replaced by T.
Protein change: p.Pro104Leu; replaces proline 104 with leucine.
Molecular consequence: missense variant.
Genome position (GRCh38, 1-based): chr4:163,166,417, G>A on the plus strand (C>T on the coding strand, the complement: NAF1 is on the minus strand). VCF-style: chr4-163166417-G-A. GRCh37 (hg19) VCF-style: chr4-164087569-G-A.
Other names: c.311C>T, p.Pro104Leu (NM_001128931.2); short protein forms P104L.
Identifiers: ClinVar variation 2917652 (VCV002917652.3), dbSNP rs543746206, ClinGen allele CA3126418.